The following is an entry in ClinVar:

ClinVar aggregate classification (germline): Uncertain significance (1 of 4 stars; one submission).

Conditions:
Familial acute necrotizing encephalopathy (IIAE3). Also called: ENCEPHALOPATHY, ACUTE, INFECTION-INDUCED, SUSCEPTIBILITY TO, 3; Susceptibility to Acute Necrotizing Encephalopathy 1. Identifiers: Orphanet 88619, MedGen C2675556, MONDO:0011953, OMIM 608033.

Submission:

Labcorp Genetics (formerly Invitae), Labcorp
Classification: Uncertain significance for Familial acute necrotizing encephalopathy. Last evaluated: 2020-11-17. Review status: criteria provided, single submitter. Criteria: Invitae Variant Classification Sherloc (09022015). Collection method: clinical testing. Allele origin: germline.
Comment: This variant results in a copy number gain of the genomic region encompassing exon(s) 8 of the RANBP2 gene. While the exact position of this variant cannot be determined from the data, sub-genic copy number gains are generally in tandem (PMID: 25640679). This variant is predicted to be out-of-frame, and may result in an absent or disrupted protein product. However, the current clinical and genetic evidence is not sufficient to establish whether loss-of-function variants in RANBP2 cause disease. This variant has not been reported in the literature in individuals with RANBP2-related conditions. In summary, the available evidence is currently insufficient to determine the role of this variant in disease. Therefore, it has been classified as a Variant of Uncertain Significance.

Literature cited by the submitters: PubMed 25640679.

NC_000002.11:g.(?_109363157)_(109363264_?)dup

Gene: RANBP2 (RAN binding protein 2; plus strand). Cytogenetic location: 2q12.3.
Variant type: Duplication.
Identifiers: ClinVar variation 2425549 (VCV002425549.4).